The following is an entry in ClinVar:

ClinVar aggregate classification (germline): Benign/Likely benign. Review status: criteria provided, multiple submitters, no conflicts (2 of 4 stars). 14 submissions from 14 submitters: Benign (7); Likely benign (2). 5 of the submissions do not count toward it. Last evaluated 2026-02-02.

Conditions:
Zellweger spectrum disorders (ZS). Also called: Zellweger Spectrum Disorder; Zellweger Spectrum; Zellweger Spectrum Disorder (ZSD); Zellweger syndrome. Identifiers: Orphanet 912, MedGen C0043459, MONDO:0019609.
Peroxisome biogenesis disorder 1A (Zellweger) (PBD1A). Also called: Peroxisome biogenesis disorder 1a; Zellweger leukodystrophy. Identifiers: MedGen C4721541, MONDO:0008953, OMIM 214100.

Allele frequency attached by ClinVar (database versions not stated): 1000 Genomes Project 0.01757; 1000 Genomes Project 30x 0.01780; gnomAD 0.02518 and 0.02553; TOPMed 0.02597; ExAC 0.02698; gnomAD exomes 0.02710 and 0.03478; ESP Exome Variant Server 0.02937.
gnomAD v4.1: 54,665 of 1,613,270 alleles (3.4%); highest among the groups gnomAD compares: Middle Eastern, 6.3%; 1,067 homozygotes.

Submissions (14):

Labcorp Genetics (formerly Invitae), Labcorp
Classification: Benign for Zellweger spectrum disorders. Last evaluated: 2026-02-02. Review status: criteria provided, single submitter. Criteria: Invitae Variant Classification Sherloc (09022015). Collection method: clinical testing. Allele origin: germline.

GeneDx
Classification: Likely benign. Last evaluated: 2023-10-18. Review status: criteria provided, single submitter. Criteria: GeneDx Variant Classification Process June 2021. Collection method: clinical testing. Allele origin: germline. Affected: yes.
Comment: See Variant Classification Assertion Criteria.

Mayo Clinic Laboratories, Mayo Clinic
Classification: Benign. Last evaluated: 2023-03-10. Review status: criteria provided, single submitter. Criteria: ACMG Guidelines, 2015. Collection method: clinical testing. Allele origin: germline. Observed: 88 variant alleles.
Comment: BS1, BS2, BP4

Genome-Nilou Lab
Classification: Benign for Peroxisome biogenesis disorder 1A (Zellweger). Last evaluated: 2021-07-01. Review status: criteria provided, single submitter. Criteria: ACMG Guidelines, 2015. Collection method: clinical testing. Allele origin: germline. Affected: no.

Athena Diagnostics
Classification: Benign. Last evaluated: 2018-11-01. Review status: criteria provided, single submitter. Criteria: Athena Diagnostics Criteria. Collection method: clinical testing. Allele origin: germline.

SIB Swiss Institute of Bioinformatics
Classification: Benign for Peroxisome biogenesis disorder 1A (Zellweger). Last evaluated: 2018-05-31. Review status: criteria provided, single submitter. Criteria: ACMG Guidelines, 2015. Collection method: curation. Allele origin: unknown.
Comment: This variant is interpreted as a Benign - Stand Alone, for Peroxisome biogenesis disorder 1A (Zellweger), in Autosomal Recessive manner. The following ACMG Tag(s) were applied: BP4 => Multiple lines of computational evidence suggest no impact on gene or gene product (conservation, evolutionary, splicing impact, etc.). BA1 => Allele frequency is >2% in Exome Aggregation Consortium (in some populations allele frequency is >4%). BS2 => Observed in a healthy adult individual for a recessive (homozygous), dominant (heterozygous), or X-linked (hemizygous) disorder, with full penetrance expected at an early age.

Illumina Laboratory Services, Illumina
Classification: Benign for Peroxisome biogenesis disorder 1A (Zellweger). Last evaluated: 2018-01-13. Review status: criteria provided, single submitter. Criteria: ICSL Variant Classification Criteria 13 December 2019. Collection method: clinical testing. Allele origin: germline.
Comment: This variant was observed in the ICSL laboratory as part of a predisposition screen in an ostensibly healthy population. It had not been previously curated by ICSL or reported in the Human Gene Mutation Database (HGMD: prior to June 1st, 2018), and was therefore a candidate for classification through an automated scoring system. Utilizing variant allele frequency, disease prevalence and penetrance estimates, and inheritance mode, an automated score was calculated to assess if this variant is too frequent to cause the disease. Based on the score and internal cut-off values, a variant classified as benign is not then subjected to further curation. The score for this variant resulted in a classification of benign for this disease.

Breakthrough Genomics
Classification: Likely benign. Review status: criteria provided, single submitter. Criteria: ACMG Guidelines, 2015. Collection method: not provided. Allele origin: germline. Inheritance: Autosomal recessive inheritance. Affected: yes.

PreventionGenetics, part of Exact Sciences
Classification: Benign. Review status: criteria provided, single submitter. Criteria: ACMG Guidelines, 2015. Collection method: clinical testing. Allele origin: germline.

Natera, Inc.
Classification: Benign for Zellweger syndrome. Last evaluated: 2017-03-29. Review status: no assertion criteria provided. Collection method: clinical testing. Allele origin: germline. Not counted in ClinVar's aggregate classification.

Clinical Genetics, Academic Medical Center
Classification: Benign. Review status: no assertion criteria provided. Collection method: clinical testing. Allele origin: germline. Affected: yes. Study: VKGL Data-share Consensus. Not counted in ClinVar's aggregate classification.

Diagnostic Laboratory, Department of Genetics, University Medical Center Groningen
Classification: Benign. Review status: no assertion criteria provided. Collection method: clinical testing. Allele origin: germline. Affected: yes. Study: VKGL Data-share Consensus. Not counted in ClinVar's aggregate classification.

Genetic Services Laboratory, University of Chicago
Classification: Likely benign for AllHighlyPenetrant. Review status: no assertion criteria provided. Collection method: clinical testing. Allele origin: germline. Inheritance: Autosomal recessive inheritance. Not counted in ClinVar's aggregate classification.
Comment: Likely benign based on allele frequency in 1000 Genomes Project or ESP global frequency and its presence in a patient with a rare or unrelated disease phenotype. NOT Sanger confirmed.

Genome Diagnostics Laboratory, University Medical Center Utrecht
Classification: Likely benign. Review status: no assertion criteria provided. Collection method: clinical testing. Allele origin: germline. Affected: yes. Study: VKGL Data-share Consensus. Not counted in ClinVar's aggregate classification.

Literature cited by the submitters: PubMed 19105186 (cited by Athena Diagnostics); PubMed 11389485 (cited by Athena Diagnostics); PubMed 16086329 (cited by Athena Diagnostics); PubMed 15542397 (cited by Athena Diagnostics).

NM_000466.3(PEX1):c.2088A>G (p.Ile696Met)

Gene: PEX1 (peroxisomal biogenesis factor 1; minus strand). Cytogenetic location: 7q21.2.
Variant type: single nucleotide variant.
Coding change: c.2088A>G on transcript NM_000466.3 (MANE Select); coding-DNA position 2088, A replaced by G.
Protein change: p.Ile696Met; replaces isoleucine 696 with methionine.
Molecular consequence: missense variant.
Genome position (GRCh38, 1-based): chr7:92,503,179, T>C on the plus strand (A>G on the coding strand, the complement: PEX1 is on the minus strand). VCF-style: chr7-92503179-T-C. GRCh37 (hg19) VCF-style: chr7-92132493-T-C.
Other names: NM_000466.2(PEX1):c.2088A>G(p.Ile696Met); NM_001282677.1(PEX1):c.1917A>G(p.Ile639Met); NM_001282678.1(PEX1):c.1464A>G(p.Ile488Met); c.1917A>G, p.Ile639Met (NM_001282677.2); c.1464A>G, p.Ile488Met (NM_001282678.2); short protein forms I696M, I639M, I488M.
Identifiers: ClinVar variation 129882 (VCV000129882.34), dbSNP rs35996821, ClinGen allele CA154229.
Genomic context (GRCh38, chr7:92,503,179, plus strand): 5'-TTGCTGAGACTGACTTGTGGCAATCAGTGCAACCAAACTTCCCATGGAGATAAACTCTTT[T>C]ATCATATCATTCAAAGCTGGAATTAAGCAATATAGTGCAAAAGCTTAGGAAAAGTAAACA-3'
Protein context (NP_000457.1, residues 686-706): QRLAHALNDM[Ile696Met]KEFISMGSLV